The following is an entry in ClinVar:

ClinVar aggregate classification (germline): Uncertain significance (1 of 4 stars; one submission).

Submission:

Labcorp Genetics (formerly Invitae), Labcorp
Classification: Uncertain significance. Last evaluated: 2021-01-13. Review status: criteria provided, single submitter. Criteria: Invitae Variant Classification Sherloc (09022015). Collection method: clinical testing. Allele origin: germline.
Comment: Experimental studies and prediction algorithms are not available or were not evaluated, and the functional significance of this variant is currently unknown. In summary, the available evidence is currently insufficient to determine the role of this variant in disease. Therefore, it has been classified as a Variant of Uncertain Significance. This variant has not been reported in the literature in individuals with CTNNA1-related conditions. The frequency data for this variant in the population databases is not available, as this variant may be reported as separate entries in the ExAC database. This sequence change replaces glutamine with histidine at codon 662 of the CTNNA1 protein (p.Gln662His). The glutamine residue is highly conserved and there is a small physicochemical difference between glutamine and histidine.

NM_001903.5(CTNNA1):c.1986_1987delinsCT (p.Gln662His)

Gene: CTNNA1 (catenin alpha 1; plus strand). Cytogenetic location: 5q31.2.
Variant type: Indel.
Coding change: c.1986_1987delinsCT on transcript NM_001903.5 (MANE Select); coding-DNA positions 1986 to 1987, GC replaced by CT.
Protein change: p.Gln662His; replaces glutamine 662 with histidine.
Molecular consequence: missense variant.
Genome position (GRCh38, 1-based): chr5:138,929,332-138,929,333, GC replaced by CT. VCF-style: chr5-138929332-GC-CT. GRCh37 (hg19) VCF-style: chr5-138265021-GC-CT.
Other names: c.1986_1987delinsCT, p.Gln662His (NM_001290307.3, NM_001323982.2, NM_001323983.1 and 2 more transcripts); c.1677_1678delinsCT, p.Gln559His (NM_001290309.3); c.1617_1618delinsCT, p.Gln539His (NM_001290310.3); c.876_877delinsCT, p.Gln292His (NM_001290312.1, NM_001323987.1, NM_001323988.1 and 17 more transcripts); c.1893_1894delinsCT, p.Gln631His (NM_001323986.2); c.537_538delinsCT, p.Gln179His (NM_001324006.1, NM_001324007.1, NM_001324008.1 and 2 more transcripts); c.783_784delinsCT, p.Gln261His (NM_001324011.1); c.633_634delinsCT, p.Gln211His (NM_001324012.1, NM_001324013.1); short protein forms Q539H, Q662H, Q261H, Q559H, Q179H, Q211H, Q631H, Q292H.
Identifiers: ClinVar variation 1516458 (VCV001516458.6), dbSNP rs2150325252, ClinGen allele CA2573139150.